The following is an entry in ClinVar:

ClinVar aggregate classification (germline): Pathogenic (1 of 4 stars; one submission).

Submission:

Labcorp Genetics (formerly Invitae), Labcorp
Classification: Pathogenic. Last evaluated: 2022-12-20. Review status: criteria provided, single submitter. Criteria: Invitae Variant Classification Sherloc (09022015). Collection method: clinical testing. Allele origin: germline.
Comment: This variant is not present in population databases (gnomAD no frequency). This variant has not been reported in the literature in individuals affected with COL4A4-related conditions. This variant disrupts a region of the COL4A4 protein in which other variant(s) (p.Arg1682Gln) have been determined to be pathogenic (PMID: 17216251, 26809805, 27859054). This suggests that this is a clinically significant region of the protein, and that variants that disrupt it are likely to be disease-causing. For these reasons, this variant has been classified as Pathogenic. This sequence change creates a premature translational stop signal (p.Ser1673Thrfs*15) in the COL4A4 gene. While this is not anticipated to result in nonsense mediated decay, it is expected to disrupt the last 18 amino acid(s) of the COL4A4 protein.

Literature cited by the submitters: PubMed 17216251; PubMed 26809805; PubMed 27859054.

NM_000092.5(COL4A4):c.5018del (p.Ser1673fs)

Gene: COL4A4 (collagen type IV alpha 4 chain; minus strand). Cytogenetic location: 2q36.3.
Variant type: Deletion.
Coding change: c.5018del on transcript NM_000092.5 (MANE Select); coding-DNA position 5018, one base deleted (G; older notation c.5018delG).
Protein change: p.Ser1673fs; shifts the reading frame from serine 1673.
Molecular consequence: frameshift variant.
Genome position (GRCh38, 1-based): chr2:227,007,380, C deleted on the plus strand (G on the coding strand, the reverse complement: COL4A4 is on the minus strand). VCF-style (leftmost placement, unchanged base first): chr2-227007379-GC-G. GRCh37 (hg19) VCF-style: chr2-227872095-GC-G.
Other names: short protein forms S1673fs.
Identifiers: ClinVar variation 2032755 (VCV002032755.4), dbSNP rs2472574504, ClinGen allele CA2580065875.
Genomic context (GRCh38, chr2:227,007,379, plus strand): 5'-CATTCTCTAGCTATACTTCACGCAGACCTGGCACCGGCTGATTTTCTGGCGTTGGGCCTG[GC>G]TTTCTTTTAAGGTGTCTGGTGCTGGAGCAGAGGAAAACTGCAAGTCTGCTTTCACCGTTG-3'